The following is an entry in ClinVar:

ClinVar aggregate classification (germline): Benign (0 of 4 stars; one submission).

Conditions:
APBA2-related disorder. Also called: APBA2-related condition.

Allele frequency attached by ClinVar (database versions not stated): 1000 Genomes Project 0.00499; 1000 Genomes Project 30x 0.00562; ESP Exome Variant Server 0.01330; ExAC 0.01441; gnomAD exomes 0.01735.
gnomAD v4.1: 27,163 of 1,613,814 alleles (1.7%); highest among the groups gnomAD compares: Non-Finnish European, 2%; 290 homozygotes.

Submission:

PreventionGenetics, part of Exact Sciences
Classification: Benign for APBA2-related condition. Last evaluated: 2019-02-26. Review status: no assertion criteria provided. Collection method: clinical testing. Allele origin: germline.
Comment: This variant is classified as benign based on ACMG/AMP sequence variant interpretation guidelines (Richards et al. 2015 PMID: 25741868, with internal and published modifications).

NM_001353788.2(APBA2):c.155G>A (p.Arg52Gln)

Gene: APBA2 (amyloid beta precursor protein binding family A member 2; plus strand). Cytogenetic location: 15q13.1.
Variant type: single nucleotide variant.
Coding change: c.155G>A on transcript NM_001353788.2 (MANE Select); coding-DNA position 155, G replaced by A.
Protein change: p.Arg52Gln; replaces arginine 52 with glutamine.
Molecular consequence: missense variant.
Genome position (GRCh38, 1-based): chr15:29,054,039, G>A. VCF-style: chr15-29054039-G-A. GRCh37 (hg19) VCF-style: chr15-29346242-G-A.
Other names: c.155G>A, p.Arg52Gln (NM_001130414.1, NM_001353789.2, NM_001353790.2 and 7 more transcripts); short protein forms R52Q.
Identifiers: ClinVar variation 3037758 (VCV003037758.2), dbSNP rs117098828, ClinGen allele CA7445040.
Genomic context (GRCh38, chr15:29,054,039, plus strand): 5'-AGGACATGGAGCTGCCCTTGGAGGGCTATGTGCCCGAGGGCCTGGAGCTGGCTGCCCTGC[G>A]GCCAGAGAGCCCCGCGCCAGAGGAACAGGAGTGCCACAACCACAGCCCCGATGGGGACTC-3'
Protein context (NP_001340717.1, residues 42-62): VPEGLELAAL[Arg52Gln]PESPAPEEQE